The following is an entry in ClinVar:

ClinVar aggregate classification (germline): Uncertain significance (1 of 4 stars; one submission).

Conditions:
Long QT syndrome (LQTS). Identifiers: MedGen C0023976, MeSH D008133, MONDO:0002442. Disease mechanism: loss of function. Inheritance: Various modes of inheritance.

gnomAD v4.1: 2 of 1,612,158 alleles (0.00012%); highest among the groups gnomAD compares: Non-Finnish European, 0.00017%; no homozygotes.

Submission:

Labcorp Genetics (formerly Invitae), Labcorp
Classification: Uncertain significance for Long QT syndrome. Last evaluated: 2025-09-27. Review status: criteria provided, single submitter. Criteria: Invitae Variant Classification Sherloc (09022015). Collection method: clinical testing. Allele origin: germline.
Comment: This sequence change replaces alanine, which is neutral and non-polar, with serine, which is neutral and polar, at codon 778 of the KCNH2 protein (p.Ala778Ser). This variant is not present in population databases (gnomAD no frequency). This variant has not been reported in the literature in individuals affected with KCNH2-related conditions. An algorithm developed to predict the effect of missense changes on protein structure and function (PolyPhen-2) suggests that this variant is likely to be disruptive. In summary, the available evidence is currently insufficient to determine the role of this variant in disease. Therefore, it has been classified as a Variant of Uncertain Significance.

NM_000238.4(KCNH2):c.2332G>T (p.Ala778Ser)

Gene: KCNH2 (potassium voltage-gated channel subfamily H member 2; minus strand). Cytogenetic location: 7q36.1.
Variant type: single nucleotide variant.
Coding change: c.2332G>T on transcript NM_000238.4 (MANE Select); coding-DNA position 2332, G replaced by T.
Protein change: p.Ala778Ser; replaces alanine 778 with serine.
Molecular consequence: missense variant. On other transcripts: non-coding transcript variant (2).
Genome position (GRCh38, 1-based): chr7:150,950,234, C>A on the plus strand (G>T on the coding strand, the complement: KCNH2 is on the minus strand). VCF-style: chr7-150950234-C-A. GRCh37 (hg19) VCF-style: chr7-150647322-C-A.
Other names: c.1312G>T, p.Ala438Ser (NM_001204798.2, NM_172057.3); c.2044G>T, p.Ala682Ser (NM_001406753.1, NM_001406756.1); c.2155G>T, p.Ala719Ser (NM_001406755.1); c.2032G>T, p.Ala678Ser (NM_001406757.1); c.2332G>T, p.Ala778Ser (NM_172056.3); short protein forms A438S, A678S, A682S, A719S, A778S.
Identifiers: ClinVar variation 4799016 (VCV004799016.1).